The following is an entry in ClinVar:

ClinVar aggregate classification (germline): Uncertain significance (1 of 4 stars; one submission).

Conditions:
Hereditary cancer-predisposing syndrome. Also called: Neoplastic Syndromes, Hereditary; Tumor predisposition; Hereditary Cancer Syndrome; Hereditary neoplastic syndrome. Identifiers: Orphanet 140162, MedGen C0027672, MeSH D009386, MONDO:0015356.

Submission:

Ambry Genetics
Classification: Uncertain significance for Hereditary cancer-predisposing syndrome. Last evaluated: 2025-10-06. Review status: criteria provided, single submitter. Criteria: Ambry Variant Classification Scheme 2023. Collection method: clinical testing. Allele origin: germline.
Comment: The p.A141D variant (also known as c.422C>A), located in coding exon 4 of the MITF gene, results from a C to A substitution at nucleotide position 422. The alanine at codon 141 is replaced by aspartic acid, an amino acid with dissimilar properties. This amino acid position is conserved. In addition, this alteration is predicted to be tolerated by in silico analysis. Based on the available evidence, the clinical significance of this variant remains unclear.

NM_001354604.2(MITF):c.743C>A (p.Ala248Asp)

Gene: MITF (melanocyte inducing transcription factor; plus strand). Cytogenetic location: 3p13.
Variant type: single nucleotide variant.
Coding change: c.743C>A on transcript NM_001354604.2 (MANE Select); coding-DNA position 743, C replaced by A.
Protein change: p.Ala248Asp; replaces alanine 248 with aspartic acid.
Molecular consequence: missense variant.
Genome position (GRCh38, 1-based): chr3:69,941,312, C>A. VCF-style: chr3-69941312-C-A. GRCh37 (hg19) VCF-style: chr3-69990463-C-A.
Other names: c.422C>A, p.Ala141Asp (NM_000248.4, NM_198158.3); c.587C>A, p.Ala196Asp (NM_001184967.2, NM_001354608.2); c.740C>A, p.Ala247Asp (NM_001354605.2, NM_001354606.2, NM_006722.3); c.692C>A, p.Ala231Asp (NM_001354607.2); c.743C>A, p.Ala248Asp (NM_198159.3); c.695C>A, p.Ala232Asp (NM_198177.3); c.254C>A, p.Ala85Asp (NM_198178.3); short protein forms A196D, A247D, A141D, A231D, A248D, A85D, A232D.
Identifiers: ClinVar variation 4648608 (VCV004648608.1).
Genomic context (GRCh38, chr3:69,941,312, plus strand): 5'-ATGACATCATTAGCCTAGAATCAAGTTATAATGAGGAAATCTTGGGCTTGATGGATCCTG[C>A]TTTGCAAATGGCAAATACGGTATTGATAACCTTTTTTTAAGTAGAAAATCTTGAGGTGTT-3'
Protein context (NP_001341533.1, residues 238-258): NEEILGLMDP[Ala248Asp]LQMANTLPVS